The following is an entry in ClinVar:

ClinVar aggregate classification (germline): Conflicting classifications of pathogenicity. Review status: criteria provided, conflicting classifications (1 of 4 stars). 6 submissions from 6 submitters: Uncertain significance (2); Likely benign (3). 1 of the submissions does not count toward it. Last evaluated 2026-01-26.

Conditions:
USH2A-related disorder. Also called: USH2A-related disorders; USH2A-related condition. Identifiers: MedGen CN239332.
Usher syndrome type 2A. Also called: RETINAL DISEASE IN USHER SYNDROME TYPE IIA, MODIFIER OF; USHER SYNDROME, TYPE IIA. Identifiers: Orphanet 231178, Orphanet 886, MedGen C1848634, MONDO:0010169, OMIM 276901.

Allele frequency attached by ClinVar (database versions not stated): ExAC 0.00044; ESP Exome Variant Server 0.00092; gnomAD 0.00102; TOPMed 0.00119; 1000 Genomes Project 30x 0.00141; 1000 Genomes Project 0.00160.
gnomAD v4.1: 513 of 1,613,902 alleles (0.032%); highest among the groups gnomAD compares: African/African-American, 0.35%; 1 homozygote.

Submissions (6):

Labcorp Genetics (formerly Invitae), Labcorp
Classification: Likely benign. Last evaluated: 2026-01-26. Review status: criteria provided, single submitter. Criteria: Invitae Variant Classification Sherloc (09022015). Collection method: clinical testing. Allele origin: germline.

PreventionGenetics, part of Exact Sciences
Classification: Likely benign for USH2A-related condition. Last evaluated: 2025-10-13. Review status: criteria provided, single submitter. Criteria: ACMG Guidelines, 2015. Collection method: clinical testing. Allele origin: germline.
Comment: This variant is classified as likely benign based on ACMG/AMP sequence variant interpretation guidelines (Richards et al. 2015 PMID: 25741868, with internal and published modifications).

Blueprint Genetics
Classification: Uncertain significance. Last evaluated: 2024-08-15. Review status: criteria provided, single submitter. Criteria: ACMG Guidelines, 2015. Collection method: clinical testing. Allele origin: germline.

Laboratory for Molecular Medicine, Mass General Brigham Personalized Medicine
Classification: Likely benign. Last evaluated: 2017-01-25. Review status: criteria provided, single submitter. Criteria: LMM Criteria. Collection method: clinical testing. Allele origin: germline. Observed: 3 variant alleles.
Comment: p.Arg2354Cys in exon 37 of USH2A: This variant is not expected to have clinical significance because it has been identified in 0.4% (45/10402) of African chromo somes by the Exome Aggregation Consortium (ExAC; dbSNP rs111033508).

ARUP Laboratories, Molecular Genetics and Genomics, ARUP Laboratories
Classification: Uncertain significance. Last evaluated: 2016-09-14. Review status: criteria provided, single submitter. Criteria: ARUP Molecular Germline Variant Investigation Process. Collection method: clinical testing. Allele origin: germline.

Natera, Inc.
Classification: Uncertain significance for Usher syndrome type 2A. Last evaluated: 2019-11-07. Review status: no assertion criteria provided. Collection method: clinical testing. Allele origin: germline. Not counted in ClinVar's aggregate classification.

Literature cited by the submitters: PubMed 26969326 (cited by Laboratory for Molecular Medicine, Mass General Brigham Personalized Medicine).

NM_206933.4(USH2A):c.7060C>T (p.Arg2354Cys)

Gene: USH2A (usherin; minus strand). Cytogenetic location: 1q41.
Variant type: single nucleotide variant.
Coding change: c.7060C>T on transcript NM_206933.4 (MANE Select); coding-DNA position 7060, C replaced by T.
Protein change: p.Arg2354Cys; replaces arginine 2354 with cysteine.
Molecular consequence: missense variant.
Genome position (GRCh38, 1-based): chr1:215,965,377, G>A on the plus strand (C>T on the coding strand, the complement: USH2A is on the minus strand). VCF-style: chr1-215965377-G-A. GRCh37 (hg19) VCF-style: chr1-216138719-G-A.
Other names: short protein forms R2354C.
Identifiers: ClinVar variation 48575 (VCV000048575.28), dbSNP rs111033508, ClinGen allele CA143583.